The following is an entry in ClinVar:

NM_001370259.2(MEN1):c.1364T>A (p.Val455Glu)

Gene: MEN1 (menin 1; minus strand). Cytogenetic location: 11q13.1.
Variant type: single nucleotide variant.
Coding change: c.1364T>A on transcript NM_001370259.2 (MANE Select); coding-DNA position 1364, T replaced by A.
Protein change: p.Val455Glu; replaces valine 455 with glutamic acid.
Molecular consequence: missense variant.
Genome position (GRCh38, 1-based): chr11:64,804,803, A>T on the plus strand (T>A on the coding strand, the complement: MEN1 is on the minus strand). VCF-style: chr11-64804803-A-T. GRCh37 (hg19) VCF-style: chr11-64572275-A-T.
Other names: c.1379T>A, p.Val460Glu (NM_000244.4, NM_130800.3, NM_130801.3 and 3 more transcripts); c.1490T>A, p.Val497Glu (NM_001370251.2); c.1364T>A, p.Val455Glu (NM_001370260.2, NM_001370261.2, NM_130799.3); c.1259T>A, p.Val420Glu (NM_001370262.2, NM_001370263.2); short protein forms V455E, V460E, V420E, V497E.
Identifiers: ClinVar variation 241802 (VCV000241802.11), dbSNP rs878855189, ClinGen allele CA10582929.

ClinVar aggregate classification (germline): Conflicting classifications of pathogenicity. Review status: criteria provided, conflicting classifications (1 of 4 stars). 2 submissions from 2 submitters: Likely pathogenic (1); Uncertain significance (1). Last evaluated 2020-01-21.

Conditions:
Multiple endocrine neoplasia, type 1 (MEN1). Also called: MEN I; WERMER SYNDROME; Endocrine adenomatosis multiple; MEN 1; MEA I. Identifiers: Orphanet 652, MedGen C0025267, MeSH D018761, MONDO:0007540, OMIM 131100.

Submissions (2):

Labcorp Genetics (formerly Invitae), Labcorp
Classification: Likely pathogenic for Multiple endocrine neoplasia, type 1. Last evaluated: 2020-01-21. Review status: criteria provided, single submitter. Criteria: Invitae Variant Classification Sherloc (09022015). Collection method: clinical testing. Allele origin: germline.
Comment: Algorithms developed to predict the effect of missense changes on protein structure and function (SIFT, PolyPhen-2, Align-GVGD) all suggest that this variant is likely to be disruptive, but these predictions have not been confirmed by published functional studies and their clinical significance is uncertain. This sequence change replaces valine with glutamic acid at codon 455 of the MEN1 protein (p.Val455Glu). The valine residue is highly conserved and there is a moderate physicochemical difference between valine and glutamic acid. This variant is not present in population databases (ExAC no frequency). This variant has been observed in individual(s) with multiple endocrine neoplasia type 1 (Invitae, external communication). It has also been observed to segregate with disease in related individuals. ClinVar contains an entry for this variant (Variation ID: 241802). In summary, the currently available evidence indicates that the variant is pathogenic, but additional data are needed to prove that conclusively. Therefore, this variant has been classified as Likely Pathogenic.

GeneDx
Classification: Uncertain significance. Last evaluated: 2019-07-24. Review status: criteria provided, single submitter. Criteria: GeneDx Variant Classification Process June 2021. Collection method: clinical testing. Allele origin: germline. Affected: yes.
Comment: Not observed in large population cohorts (Lek et al., 2016); In silico analysis, which includes protein predictors and evolutionary conservation, supports a deleterious effect; Has not been previously published as pathogenic or benign to our knowledge